The following is an entry in ClinVar:

ClinVar aggregate classification (germline): Pathogenic (1 of 4 stars; one submission).

Conditions:
Primary ciliary dyskinesia. Also called: Ciliary dyskinesia. Identifiers: Orphanet 244, MedGen C0008780, MONDO:0016575, HP:0012265.

Submission:

Labcorp Genetics (formerly Invitae), Labcorp
Classification: Pathogenic for Primary ciliary dyskinesia. Last evaluated: 2023-04-09. Review status: criteria provided, single submitter. Criteria: Invitae Variant Classification Sherloc (09022015). Collection method: clinical testing. Allele origin: germline.
Comment: This sequence change creates a premature translational stop signal (p.Lys774Argfs*10) in the DNAH11 gene. It is expected to result in an absent or disrupted protein product. Loss-of-function variants in DNAH11 are known to be pathogenic (PMID: 18022865, 20513915, 22184204). This variant is present in population databases (rs773538041, gnomAD 0.002%). This variant has not been reported in the literature in individuals affected with DNAH11-related conditions. For these reasons, this variant has been classified as Pathogenic.

Literature cited by the submitters: PubMed 18022865; PubMed 20513915; PubMed 22184204.

NM_001277115.2(DNAH11):c.2321_2324del (p.Lys774fs)

Gene: DNAH11 (dynein axonemal heavy chain 11; plus strand). Cytogenetic location: 7p15.3.
Variant type: Deletion.
Coding change: c.2321_2324del on transcript NM_001277115.2 (MANE Select); coding-DNA positions 2321 to 2324, 4 bases deleted (AACA; older notation c.2321_2324delAACA).
Protein change: p.Lys774fs; shifts the reading frame from lysine 774.
Molecular consequence: frameshift variant.
Genome position (GRCh38, 1-based): chr7:21,591,231-21,591,234, AACA deleted; deleting any 4 consecutive bases within chr7:21,591,229-21,591,234 gives the same sequence; the c. name uses the placement nearest the transcript's 3' end. VCF-style (leftmost placement, unchanged base first): chr7-21591228-TCAAA-T. GRCh37 (hg19) VCF-style: chr7-21630846-TCAAA-T.
Other names: c.2321_2324delAACA, p.Lys774Argfs (NM_003777.3); short protein forms K774fs.
Identifiers: ClinVar variation 2730029 (VCV002730029.3), dbSNP rs773538041, ClinGen allele CA4179308.